The following is an entry in ClinVar:

NM_001365088.1(SLC12A6):c.2042G>C (p.Trp681Ser)

Gene: SLC12A6 (solute carrier family 12 member 6; minus strand). Cytogenetic location: 15q14.
Variant type: single nucleotide variant.
Coding change: c.2042G>C on transcript NM_001365088.1 (MANE Select); coding-DNA position 2042, G replaced by C.
Protein change: p.Trp681Ser; replaces tryptophan 681 with serine.
Molecular consequence: missense variant.
Genome position (GRCh38, 1-based): chr15:34,243,974, C>G on the plus strand (G>C on the coding strand, the complement: SLC12A6 is on the minus strand). VCF-style: chr15-34243974-C-G. GRCh37 (hg19) VCF-style: chr15-34536175-C-G.
Other names: p.Trp681Ser; c.1865G>C, p.Trp622Ser (NM_001042494.2, NM_001042495.2); c.2015G>C, p.Trp672Ser (NM_001042496.2); c.1997G>C, p.Trp666Ser (NM_001042497.2); c.1889G>C, p.Trp630Ser (NM_005135.2); c.2042G>C, p.Trp681Ser (NM_133647.2); short protein forms W666S, W672S, W622S, W630S, W681S.
Identifiers: ClinVar variation 1399286 (VCV001399286.6), dbSNP rs1891819836, ClinGen allele CA391620461.

ClinVar aggregate classification (germline): Uncertain significance. Review status: criteria provided, multiple submitters, no conflicts (2 of 4 stars). 2 submissions from 2 submitters: Uncertain significance (2). Last evaluated 2021-11-26.

Allele frequency attached by ClinVar (database versions not stated): TOPMed below 0.00001; gnomAD 0.00001.
gnomAD v4.1: 2 of 1,536,116 alleles (0.00013%); highest among the groups gnomAD compares: Non-Finnish European, 0.00018%; no homozygotes.

Submissions (2):

Mayo Clinic Laboratories, Mayo Clinic
Classification: Uncertain significance. Last evaluated: 2021-11-26. Review status: criteria provided, single submitter. Criteria: ACMG Guidelines, 2015. Collection method: clinical testing. Allele origin: germline.

Labcorp Genetics (formerly Invitae), Labcorp
Classification: Uncertain significance. Last evaluated: 2021-09-04. Review status: criteria provided, single submitter. Criteria: Invitae Variant Classification Sherloc (09022015). Collection method: clinical testing. Allele origin: germline.
Comment: This sequence change replaces tryptophan with serine at codon 681 of the SLC12A6 protein (p.Trp681Ser). The tryptophan residue is moderately conserved and there is a large physicochemical difference between tryptophan and serine. This variant also falls at the last nucleotide of exon 15, which is part of the consensus splice site for this exon. This variant is not present in population databases (ExAC no frequency). This variant has not been reported in the literature in individuals affected with SLC12A6-related conditions. Algorithms developed to predict the effect of missense changes on protein structure and function are either unavailable or do not agree on the potential impact of this missense change (SIFT: "Tolerated"; PolyPhen-2: "Probably Damaging"; Align-GVGD: "Class C0"). Nucleotide substitutions within the consensus splice site are a relatively common cause of aberrant splicing (PMID: 17576681, 9536098). Algorithms developed to predict the effect of sequence changes on RNA splicing suggest that this variant may disrupt the consensus splice site. In summary, the available evidence is currently insufficient to determine the role of this variant in disease. Therefore, it has been classified as a Variant of Uncertain Significance.

Literature cited by the submitters: PubMed 17576681 (cited by Labcorp Genetics (formerly Invitae), Labcorp); PubMed 9536098 (cited by Labcorp Genetics (formerly Invitae), Labcorp).